The following is an entry in ClinVar:

NM_002890.3(RASA1):c.469G>A (p.Asp157Asn)

Gene: RASA1 (RAS p21 protein activator 1; plus strand). Cytogenetic location: 5q14.3.
Variant type: single nucleotide variant.
Coding change: c.469G>A on transcript NM_002890.3 (MANE Select); coding-DNA position 469, G replaced by A.
Protein change: p.Asp157Asn; replaces aspartic acid 157 with asparagine.
Molecular consequence: missense variant.
Genome position (GRCh38, 1-based): chr5:87,268,920, G>A. VCF-style: chr5-87268920-G-A. GRCh37 (hg19) VCF-style: chr5-86564737-G-A.
Other names: short protein forms D157N.
Identifiers: ClinVar variation 2798625 (VCV002798625.3), dbSNP rs2531003657, ClinGen allele CA360417450.
Genomic context (GRCh38, chr5:87,268,920, plus strand): 5'-CTGCCCCCTCCCCCTTACCTGCCCCCTTTGGGGGCGGGCCTCGGGACAGTGGACGAAGGT[G>A]ACTCTCTGGATGGACCAGAATACGAGGAGGAAGAGGTGGCCATACCGTTGACCGCTCCTC-3'
Protein context (NP_002881.1, residues 147-167): GAGLGTVDEG[Asp157Asn]SLDGPEYEEE

ClinVar aggregate classification (germline): Uncertain significance (1 of 4 stars; one submission).

Conditions:
Capillary malformation-arteriovenous malformation syndrome. Also called: Capillary malformation-arteriovenous malformation. Identifiers: Orphanet 137667, MedGen C1842180, MONDO:0012016.

Submission:

Labcorp Genetics (formerly Invitae), Labcorp
Classification: Uncertain significance for Capillary malformation-arteriovenous malformation syndrome. Last evaluated: 2023-12-28. Review status: criteria provided, single submitter. Criteria: Invitae Variant Classification Sherloc (09022015). Collection method: clinical testing. Allele origin: germline.
Comment: This sequence change replaces aspartic acid, which is acidic and polar, with asparagine, which is neutral and polar, at codon 157 of the RASA1 protein (p.Asp157Asn). This variant is not present in population databases (gnomAD no frequency). This variant has not been reported in the literature in individuals affected with RASA1-related conditions. An algorithm developed to predict the effect of missense changes on protein structure and function (PolyPhen-2) suggests that this variant is likely to be disruptive. In summary, the available evidence is currently insufficient to determine the role of this variant in disease. Therefore, it has been classified as a Variant of Uncertain Significance.